The following is an entry in ClinVar:

ClinVar aggregate classification (germline): Uncertain significance (1 of 4 stars; one submission).

Conditions:
Lymphatic malformation 9. Identifiers: MedGen C5543365, MONDO:0030270, OMIM 619319.

gnomAD v4.1: 1 of 1,595,566 alleles (0.000063%); highest among the groups gnomAD compares: Non-Finnish European, 0.000085%; no homozygotes.

Submission:

Clinical Genomics Laboratory, Washington University in St. Louis
Classification: Uncertain significance for Lymphatic malformation 9. Last evaluated: 2025-03-01. Review status: criteria provided, single submitter. Criteria: ACMG Guidelines, 2015. Collection method: clinical testing. Allele origin: germline.
Comment: A CELSR1 c.4110C>A (p.Asp1370Glu) variant was identified at a near heterozygous allelic fraction of 48.4%, a frequency which may be consistent with germline origin. This variant, to our knowledge, has not been reported in the medical literature. It is only observed on 1/1,595,566 alleles in the general population (gnomAD v.4.1.0), indicating it is not a common variant. Computational predictors suggest that the variant does not impact CELSR1 function. Due to limited information, and based on ACMG/AMP guidelines for variant interpretation (Richards S et al., PMID: 25741868), the clinical significance of this variant is uncertain at this time.

NM_001378328.1(CELSR1):c.4110C>A (p.Asp1370Glu)

Genes: CELSR1 (cadherin EGF LAG seven-pass G-type receptor 1; minus strand), LOC126863170 (CDK7 strongly-dependent group 2 enhancer GRCh37_chr22:46858535-46859734; plus strand). Cytogenetic location: 22q13.31.
Variant type: single nucleotide variant.
Coding change: c.4110C>A on transcript NM_001378328.1 (MANE Select); coding-DNA position 4110, C replaced by A.
Protein change: p.Asp1370Glu; replaces aspartic acid 1370 with glutamic acid.
Molecular consequence: missense variant.
Genome position (GRCh38, 1-based): chr22:46,463,780, G>T on the plus strand (C>A on the coding strand, the complement: CELSR1 is on the minus strand). VCF-style: chr22-46463780-G-T. GRCh37 (hg19) VCF-style: chr22-46859677-G-T.
Other names: c.4110C>A, p.Asp1370Glu (NM_014246.4); short protein forms D1370E.
Identifiers: ClinVar variation 4279711 (VCV004279711.1).